The following is an entry in ClinVar:

NM_001005361.3(DNM2):c.2195C>T (p.Ala732Val)

Gene: DNM2 (dynamin 2; plus strand). Cytogenetic location: 19p13.2.
Variant type: single nucleotide variant.
Coding change: c.2195C>T on transcript NM_001005361.3 (MANE Select); coding-DNA position 2195, C replaced by T.
Protein change: p.Ala732Val; replaces alanine 732 with valine.
Molecular consequence: missense variant.
Genome position (GRCh38, 1-based): chr19:10,829,172, C>T. VCF-style: chr19-10829172-C-T. GRCh37 (hg19) VCF-style: chr19-10939848-C-T.
Other names: c.2195C>T, p.Ala732Val (NM_001005360.3, NM_001190716.2); c.2183C>T, p.Ala728Val (NM_001005362.3, NM_004945.4); short protein forms A728V, A732V.
Identifiers: ClinVar variation 862558 (VCV000862558.9), dbSNP rs375577182, ClinGen allele CA9201543.

ClinVar aggregate classification (germline): Conflicting classifications of pathogenicity. Review status: criteria provided, conflicting classifications (1 of 4 stars). 2 submissions from 2 submitters: Uncertain significance (1); Likely benign (1). Last evaluated 2025-09-23.

Conditions:
Charcot-Marie-Tooth disease dominant intermediate B (CMTDIB). Also called: Charcot-Marie-Tooth disease dominant intermediate 1; CMT DI1; Charcot-Marie-Tooth disease dominant intermediate I; CHARCOT-MARIE-TOOTH NEUROPATHY, DOMINANT INTERMEDIATE B. Identifiers: Orphanet 100044, Orphanet 228179, MedGen C1847902, MONDO:0011674, OMIM 606482.
Inborn genetic diseases. Identifiers: MedGen C0950123, MeSH D030342.

Allele frequency attached by ClinVar (database versions not stated): ExAC 0.00002; gnomAD 0.00002; gnomAD exomes 0.00002; TOPMed 0.00003.
gnomAD v4.1: 14 of 1,613,916 alleles (0.00087%); highest among the groups gnomAD compares: East Asian, 0.0067%; no homozygotes.

Submissions (3):

Labcorp Genetics (formerly Invitae), Labcorp
Classification: Uncertain significance for Charcot-Marie-Tooth disease dominant intermediate B. Last evaluated: 2025-09-23. Review status: criteria provided, single submitter. Criteria: Invitae Variant Classification Sherloc (09022015). Collection method: clinical testing. Allele origin: germline.
Comment: This sequence change replaces alanine, which is neutral and non-polar, with valine, which is neutral and non-polar, at codon 732 of the DNM2 protein (p.Ala732Val). This variant is present in population databases (rs375577182, gnomAD 0.02%). This variant has not been reported in the literature in individuals affected with DNM2-related conditions. ClinVar contains an entry for this variant (Variation ID: 862558). Invitae Evidence Modeling of protein sequence and biophysical properties (such as structural, functional, and spatial information, amino acid conservation, physicochemical variation, residue mobility, and thermodynamic stability) indicates that this missense variant is expected to disrupt DNM2 protein function with a positive predictive value of 95%. In summary, the available evidence is currently insufficient to determine the role of this variant in disease. Therefore, it has been classified as a Variant of Uncertain Significance.

Ambry Genetics
Classification: Likely benign for Inborn genetic diseases. Last evaluated: 2024-05-02. Review status: criteria provided, single submitter. Criteria: Ambry Variant Classification Scheme 2023. Collection method: clinical testing. Allele origin: germline.

Dr. Peter K. Rogan Lab, Western University
No classification provided (evidence only). Condition: Malignant tumor of esophagus. Review status: no classification provided. Collection method: in vitro. Allele origin: not applicable. Functional consequence: skipped exon. Not counted in ClinVar's aggregate classification.